The following is an entry in ClinVar:

NM_002900.3(RBP3):c.952G>A (p.Ala318Thr)

Gene: RBP3 (retinol binding protein 3; plus strand). Cytogenetic location: 10q11.22.
Variant type: single nucleotide variant.
Coding change: c.952G>A on transcript NM_002900.3 (MANE Select); coding-DNA position 952, G replaced by A.
Protein change: p.Ala318Thr; replaces alanine 318 with threonine.
Molecular consequence: missense variant.
Genome position (GRCh38, 1-based): chr10:47,349,436, G>A. VCF-style: chr10-47349436-G-A. GRCh37 (hg19) VCF-style: chr10-48389926-C-T.
Other names: short protein forms A318T.
Identifiers: ClinVar variation 1407885 (VCV001407885.4), dbSNP rs782389160, ClinGen allele CA5487650.

ClinVar aggregate classification (germline): Uncertain significance. Review status: criteria provided, multiple submitters, no conflicts (2 of 4 stars). 2 submissions from 2 submitters: Uncertain significance (2). Last evaluated 2021-11-14.

Allele frequency attached by ClinVar (database versions not stated): gnomAD exomes 0.00002; TOPMed 0.00003; ExAC 0.00002; gnomAD 0.00004.
gnomAD v4.1: 40 of 1,612,230 alleles (0.0025%); highest among the groups gnomAD compares: Non-Finnish European, 0.0032%; no homozygotes.

Submissions (2):

Labcorp Genetics (formerly Invitae), Labcorp
Classification: Uncertain significance. Last evaluated: 2021-11-14. Review status: criteria provided, single submitter. Criteria: Invitae Variant Classification Sherloc (09022015). Collection method: clinical testing. Allele origin: germline.
Comment: This sequence change replaces alanine, which is neutral and non-polar, with threonine, which is neutral and polar, at codon 318 of the RBP3 protein (p.Ala318Thr). This variant is present in population databases (rs782389160, gnomAD 0.007%). This variant has not been reported in the literature in individuals affected with RBP3-related conditions. Algorithms developed to predict the effect of missense changes on protein structure and function are either unavailable or do not agree on the potential impact of this missense change (SIFT: "Tolerated"; PolyPhen-2: "Possibly Damaging"; Align-GVGD: "Class C0"). In summary, the available evidence is currently insufficient to determine the role of this variant in disease. Therefore, it has been classified as a Variant of Uncertain Significance.

Breakthrough Genomics
Classification: Uncertain significance. Review status: criteria provided, single submitter. Criteria: ACMG Guidelines, 2015. Collection method: not provided. Allele origin: germline. Inheritance: Autosomal recessive inheritance. Affected: yes.